The following is an entry in ClinVar:

ClinVar aggregate classification (germline): Uncertain significance (1 of 4 stars; one submission).

Conditions:
Inborn genetic diseases. Identifiers: MedGen C0950123, MeSH D030342.

Submission:

Ambry Genetics
Classification: Uncertain significance for Inborn genetic diseases. Last evaluated: 2026-01-04. Review status: criteria provided, single submitter. Criteria: Ambry Variant Classification Scheme 2023. Collection method: clinical testing. Allele origin: germline.
Comment: The p.I80F variant (also known as c.238A>T), located in coding exon 3 of the CEP57 gene, results from an A to T substitution at nucleotide position 238. The isoleucine at codon 80 is replaced by phenylalanine, an amino acid with highly similar properties. This amino acid position is conserved. In addition, this alteration is predicted to be deleterious by in silico analysis. Based on the available evidence, the clinical significance of this variant remains unclear.

NM_014679.5(CEP57):c.238A>T (p.Ile80Phe)

Gene: CEP57 (centrosomal protein 57; plus strand). Cytogenetic location: 11q21.
Variant type: single nucleotide variant.
Coding change: c.238A>T on transcript NM_014679.5 (MANE Select); coding-DNA position 238, A replaced by T.
Protein change: p.Ile80Phe; replaces isoleucine 80 with phenylalanine.
Molecular consequence: missense variant. On other transcripts: intron variant (3).
Genome position (GRCh38, 1-based): chr11:95,812,967, A>T. VCF-style: chr11-95812967-A-T. GRCh37 (hg19) VCF-style: chr11-95546131-A-T.
Other names: c.211A>T, p.Ile71Phe (NM_001243776.2); c.238A>T, p.Ile80Phe (NM_001243777.2, NM_001440879.1, NM_001440882.1 and 4 more transcripts); c.203-501A>T (NM_001440873.1, NM_001440881.1); c.122-501A>T (NM_001440880.1); c.157A>T, p.Ile53Phe (NM_001363604.2, NM_001440869.1, NM_001440870.1 and 3 more transcripts); short protein forms I71F, I80F, I53F.
Identifiers: ClinVar variation 4842315 (VCV004842315.1).
Genomic context (GRCh38, chr11:95,812,967, plus strand): 5'-CCACGTTTGTGTTTGTATTTGGCAGCCATATTTTCTGCTCTTAAGAATCTTCAAGATAAG[A>T]TTCGACGCTTGGAACTTGAGAGGATTCAGGCAGAAGAAAGTGTGAAAACCTTGTCTAGAG-3'
Protein context (NP_055494.2, residues 70-90): FSALKNLQDK[Ile80Phe]RRLELERIQA